The following is an entry in ClinVar:

NM_002430.3(MN1):c.2536G>A (p.Val846Met)

Gene: MN1 (MN1 proto-oncogene, transcriptional regulator; minus strand). Cytogenetic location: 22q12.1.
Variant type: single nucleotide variant.
Coding change: c.2536G>A on transcript NM_002430.3 (MANE Select); coding-DNA position 2536, G replaced by A.
Protein change: p.Val846Met; replaces valine 846 with methionine.
Molecular consequence: missense variant.
Genome position (GRCh38, 1-based): chr22:27,798,008, C>T on the plus strand (G>A on the coding strand, the complement: MN1 is on the minus strand). VCF-style: chr22-27798008-C-T. GRCh37 (hg19) VCF-style: chr22-28193996-C-T.
Other names: short protein forms V846M.
Identifiers: ClinVar variation 4795176 (VCV004795176.1).

ClinVar aggregate classification (germline): Uncertain significance (1 of 4 stars; one submission).

Conditions:
MN1-related disorder. Also called: MN1-related condition.

Submission:

Laboratorio de Biologia Molecular/Medicina Genomica - IFF/Fiocruz, Instituto Fernandes Figueira, Fundacao Oswaldo Cruz
Classification: Uncertain significance for MN1-related conditions. Last evaluated: 2025-09-02. Review status: criteria provided, single submitter. Criteria: ACMG Guidelines, 2015. Collection method: clinical testing. Allele origin: germline. Affected: yes. Observed: 1 variant allele.
Comment: Variant: c.2536G>A (p.Val846Met) identified in exon 1 of the MN1 gene. Protein effect: Missense substitution. In silico tools: Do not predict a deleterious impact. Population database (gnomAD): Absent from population databases (gnomAD). ACMG/AMP criteria applied: PM2_Supporting